The following is an entry in ClinVar:

ClinVar aggregate classification (germline): Pathogenic (1 of 4 stars; one submission).

Conditions:
Inborn genetic diseases. Identifiers: MedGen C0950123, MeSH D030342.

Submission:

Ambry Genetics
Classification: Pathogenic for Inborn genetic diseases. Last evaluated: 2026-03-02. Review status: criteria provided, single submitter. Criteria: Ambry Variant Classification Scheme 2023. Collection method: clinical testing. Allele origin: germline.
Comment: The c.1557delG pathogenic mutation, located in coding exon 15 of the DDX41 gene, results from a deletion of one nucleotide at nucleotide position 1557, causing a translational frameshift with a predicted alternate stop codon (p.I520Lfs*26). This variant is considered to be rare based on population cohorts in the Genome Aggregation Database (gnomAD). This variant is expected to result in loss of function by premature protein truncation or nonsense-mediated mRNA decay. As such, this variant is interpreted as a disease-causing mutation.

NM_016222.4(DDX41):c.1557del (p.Ile520fs)

Gene: DDX41 (DEAD-box helicase 41; minus strand). Cytogenetic location: 5q35.3.
Variant type: Deletion.
Coding change: c.1557del on transcript NM_016222.4 (MANE Select); coding-DNA position 1557, one base deleted (G; older notation c.1557delG).
Protein change: p.Ile520fs; shifts the reading frame from isoleucine 520.
Molecular consequence: frameshift variant.
Genome position (GRCh38, 1-based): chr5:177,512,386, C deleted on the plus strand (G on the coding strand, the reverse complement: DDX41 is on the minus strand); the first of 2 consecutive C bases (chr5:177,512,386-177,512,387); deleting either gives the same sequence. VCF-style (leftmost placement, unchanged base first): chr5-177512385-TC-T. GRCh37 (hg19) VCF-style: chr5-176939386-TC-T.
Other names: c.1179del, p.Ile394fs (NM_001321732.2, NM_001321830.2); short protein forms I520fs, I394fs.
Identifiers: ClinVar variation 4844611 (VCV004844611.1).